The following is an entry in ClinVar:

ClinVar aggregate classification (germline): Uncertain significance (1 of 4 stars; one submission).

Allele frequency attached by ClinVar (database versions not stated): gnomAD exomes below 0.00001.
gnomAD v4.1: 1 of 1,613,950 alleles (0.000062%); highest among the groups gnomAD compares: Non-Finnish European, 0.000085%; no homozygotes.

Submission:

Labcorp Genetics (formerly Invitae), Labcorp
Classification: Uncertain significance. Last evaluated: 2022-03-18. Review status: criteria provided, single submitter. Criteria: Invitae Variant Classification Sherloc (09022015). Collection method: clinical testing. Allele origin: germline.
Comment: This sequence change replaces tyrosine, which is neutral and polar, with cysteine, which is neutral and slightly polar, at codon 881 of the FN1 protein (p.Tyr881Cys). This variant is not present in population databases (gnomAD no frequency). This variant has not been reported in the literature in individuals affected with FN1-related conditions. Algorithms developed to predict the effect of missense changes on protein structure and function are either unavailable or do not agree on the potential impact of this missense change (SIFT: "Not Available"; PolyPhen-2: "Probably Damaging"; Align-GVGD: "Not Available"). In summary, the available evidence is currently insufficient to determine the role of this variant in disease. Therefore, it has been classified as a Variant of Uncertain Significance.

NM_212482.4(FN1):c.2642A>G (p.Tyr881Cys)

Gene: FN1 (fibronectin 1; minus strand). Cytogenetic location: 2q35.
Variant type: single nucleotide variant.
Coding change: c.2642A>G on transcript NM_212482.4 (MANE Select); coding-DNA position 2642, A replaced by G.
Protein change: p.Tyr881Cys; replaces tyrosine 881 with cysteine.
Molecular consequence: missense variant.
Genome position (GRCh38, 1-based): chr2:215,407,198, T>C on the plus strand (A>G on the coding strand, the complement: FN1 is on the minus strand). VCF-style: chr2-215407198-T-C. GRCh37 (hg19) VCF-style: chr2-216271921-T-C.
Other names: c.2642A>G, p.Tyr881Cys (NM_001306129.2, NM_001306130.2, NM_001306131.2 and 13 more transcripts); short protein forms Y881C.
Identifiers: ClinVar variation 2030455 (VCV002030455.4), dbSNP rs777508877, ClinGen allele CA350490355.
Genomic context (GRCh38, chr2:215,407,198, plus strand): 5'-GTGCCAGTGGTTTCTTGTTGAATGACAACAGGTGTACTTTCTTGATTTTCTTCCACAGCA[T>C]AGATAGTGATGTTATACTGAACACCAGGTTGCAAGTCACTGAGGGTGACGGAGTTTGCAG-3'
Protein context (NP_997647.2, residues 871-891): QPGVQYNITI[Tyr881Cys]AVEENQESTP